The following is an entry in ClinVar:

ClinVar aggregate classification (germline): Uncertain significance (1 of 4 stars; one submission).

Conditions:
Alport syndrome 3b, autosomal recessive. Identifiers: MedGen C5882699, MONDO:0957811, OMIM 620536.

Submission:

3billion
Classification: Uncertain significance for Alport syndrome 3b, autosomal recessive. Last evaluated: 2025-01-20. Review status: criteria provided, single submitter. Criteria: ACMG Guidelines, 2015. Collection method: clinical testing. Allele origin: germline. Affected: yes.
Comment: The variant is not observed in the gnomAD v4.1.0 dataset. Predicted Consequence/Location: Missense variant In silico tool predictions suggest damaging effect of the variant on gene or gene product [REVEL: 0.98 (>=0.6, sensitivity 0.68 and specificity 0.92)]. The different nucleotide change resulting in the same amino acid change has been previously reported to be associated with COL4A3-related disorder(PMID: 22887978). The variant has been reported to be in trans with a pathogenic variant as either compound heterozygous or homozygous in at least one similarly affected unrelated individual (PMID: 22887978). However, the evidence of pathogenicity is insufficient at this time. Therefore, this variant is classified as VUS according to the recommendation of ACMG/AMP guideline.

Literature cited by the submitters: PubMed 22887978.

NM_000091.5(COL4A3):c.4243G>A (p.Gly1415Arg)

Genes: COL4A3 (collagen type IV alpha 3 chain; plus strand), MFF-DT (MFF divergent transcript; minus strand). Cytogenetic location: 2q36.3.
Variant type: single nucleotide variant.
Coding change: c.4243G>A on transcript NM_000091.5 (MANE Select); coding-DNA position 4243, G replaced by A.
Protein change: p.Gly1415Arg; replaces glycine 1415 with arginine.
Molecular consequence: missense variant.
Genome position (GRCh38, 1-based): chr2:227,305,074, G>A. VCF-style: chr2-227305074-G-A. GRCh37 (hg19) VCF-style: chr2-228169790-G-A.
Other names: short protein forms G1415R.
Identifiers: ClinVar variation 4292770 (VCV004292770.1).
Genomic context (GRCh38, chr2:227,305,074, plus strand): 5'-AAGGATGGAAAACCAGGAACTCCTGGACCAGCTGGAGAAAAAGGCAACAAAGGTTCTAAA[G>A]GAGAGCCAGGTAAACCCCCAGCTTGTTTCCTCACCGAAGAAGTGCTATTTCGACATACAG-3'
Protein context (NP_000082.2, residues 1405-1425): AGEKGNKGSK[Gly1415Arg]EPGPAGSDGL